The following is an entry in ClinVar:

ClinVar aggregate classification (germline): Uncertain significance (1 of 4 stars; one submission).

Submission:

GeneDx
Classification: Uncertain significance. Last evaluated: 2026-05-21. Review status: criteria provided, single submitter. Criteria: GeneDx Variant Classification Process June 2021. Collection method: clinical testing. Allele origin: germline.
Comment: In silico analysis supports that this missense variant has a deleterious effect on protein structure/function; Has not been previously published as pathogenic or benign to our knowledge

NM_003410.4(ZFX):c.797G>A (p.Gly266Asp)

Gene: ZFX (zinc finger protein X-linked; plus strand). Cytogenetic location: Xp22.11.
Variant type: single nucleotide variant.
Coding change: c.797G>A on transcript NM_003410.4 (MANE Select); coding-DNA position 797, G replaced by A.
Protein change: p.Gly266Asp; replaces glycine 266 with aspartic acid.
Molecular consequence: missense variant.
Genome position (GRCh38, 1-based): chrX:24,207,712, G>A. VCF-style: chrX-24207712-G-A. GRCh37 (hg19) VCF-style: chrX-24225829-G-A.
Other names: c.797G>A, p.Gly266Asp (NM_001178084.2, NM_001178085.1, NM_001178095.2); c.110G>A, p.Gly37Asp (NM_001178086.2); c.914G>A, p.Gly305Asp (NM_001330327.2); short protein forms G266D, G305D, G37D.
Identifiers: ClinVar variation 3907814 (VCV003907814.2).